The following is an entry in ClinVar:

NM_199242.3(UNC13D):c.888G>C (p.Pro296=)

Gene: UNC13D (unc-13 homolog D; minus strand). Cytogenetic location: 17q25.1.
Variant type: single nucleotide variant.
Coding change: c.888G>C on transcript NM_199242.3 (MANE Select); coding-DNA position 888, G replaced by C.
Protein change: p.Pro296=; no amino-acid change (proline 296 retained).
Molecular consequence: synonymous variant.
Genome position (GRCh38, 1-based): chr17:75,840,081, C>G on the plus strand (G>C on the coding strand, the complement: UNC13D is on the minus strand). VCF-style: chr17-75840081-C-G. GRCh37 (hg19) VCF-style: chr17-73836162-C-G.
Other names: p.Pro296=.
Identifiers: ClinVar variation 263247 (VCV000263247.28), dbSNP rs7223416, ClinGen allele CA8773217.

ClinVar aggregate classification (germline): Benign/Likely benign. Review status: criteria provided, multiple submitters, no conflicts (2 of 4 stars). 13 submissions from 13 submitters: Benign (9); Likely benign (1). 3 of the submissions do not count toward it. Last evaluated 2026-02-04.

Conditions:
Familial hemophagocytic lymphohistiocytosis 3 (FHL3). Also called: UNC13D-Related Familial Hemophagocytic Lymphohistiocytosis (UNC13D-fHLH). Identifiers: Orphanet 540, MedGen C1837174, MONDO:0012146, OMIM 608898.

Allele frequency attached by ClinVar (database versions not stated): TOPMed 0.47819; ESP Exome Variant Server 0.48408; 1000 Genomes Project 0.49022; 1000 Genomes Project 30x 0.49688.
gnomAD v4.1: 562,183 of 1,612,518 alleles (35%); highest among the groups gnomAD compares: African/African-American, 80%; 107,485 homozygotes.

Submissions (13):

Labcorp Genetics (formerly Invitae), Labcorp
Classification: Benign for Familial hemophagocytic lymphohistiocytosis 3. Last evaluated: 2026-02-04. Review status: criteria provided, single submitter. Criteria: Invitae Variant Classification Sherloc (09022015). Collection method: clinical testing. Allele origin: germline.

Blueprint Genetics
Classification: Likely benign. Last evaluated: 2024-11-28. Review status: criteria provided, single submitter. Criteria: ACMG Guidelines, 2015. Collection method: clinical testing. Allele origin: germline.

Unidad de Genómica Garrahan, Hospital de Pediatría Garrahan
Classification: Benign. Last evaluated: 2023-11-12. Review status: criteria provided, single submitter. Criteria: ACMG Guidelines, 2015. Collection method: clinical testing. Allele origin: germline. Affected: no. Observed: 41 variant alleles.
Comment: This variant is classified as Benign based on local population frequency. This variant was detected in 43% of patients studied by a panel of primary immunodeficiencies. Number of patients: 41. Only high quality variants are reported.

Mayo Clinic Laboratories, Mayo Clinic
Classification: Benign. Last evaluated: 2022-09-06. Review status: criteria provided, single submitter. Criteria: ACMG Guidelines, 2015. Collection method: clinical testing. Allele origin: germline. Observed: 405 variant alleles.

Genome-Nilou Lab
Classification: Benign for Familial hemophagocytic lymphohistiocytosis 3. Last evaluated: 2021-12-05. Review status: criteria provided, single submitter. Criteria: ACMG Guidelines, 2015. Collection method: clinical testing. Allele origin: germline. Affected: no.

GeneDx
Classification: Benign. Last evaluated: 2020-04-06. Review status: criteria provided, single submitter. Criteria: GeneDx Variant Classification Process June 2021. Collection method: clinical testing. Allele origin: germline. Affected: yes.

Illumina Laboratory Services, Illumina
Classification: Benign for Familial hemophagocytic lymphohistiocytosis 3. Last evaluated: 2018-01-13. Review status: criteria provided, single submitter. Criteria: ICSL Variant Classification Criteria 13 December 2019. Collection method: clinical testing. Allele origin: germline.
Comment: This variant was observed in the ICSL laboratory as part of a predisposition screen in an ostensibly healthy population. It had not been previously curated by ICSL or reported in the Human Gene Mutation Database (HGMD: prior to June 1st, 2018), and was therefore a candidate for classification through an automated scoring system. Utilizing variant allele frequency, disease prevalence and penetrance estimates, and inheritance mode, an automated score was calculated to assess if this variant is too frequent to cause the disease. Based on the score and internal cut-off values, a variant classified as benign is not then subjected to further curation. The score for this variant resulted in a classification of benign for this disease.

Laboratory for Molecular Medicine, Mass General Brigham Personalized Medicine
Classification: Benign. Last evaluated: 2016-03-29. Review status: criteria provided, single submitter. Criteria: LMM Criteria. Collection method: clinical testing. Allele origin: germline.
Comment: Variant identified in a genome or exome case(s) and assessed due to predicted null impact of the variant or pathogenic assertions in the literature or databases. Disclaimer: This variant has not undergone full assessment. The following are preliminary notes: Frequency

Breakthrough Genomics
Classification: Benign. Review status: criteria provided, single submitter. Criteria: ACMG Guidelines, 2015. Collection method: not provided. Allele origin: germline. Inheritance: Autosomal recessive inheritance. Affected: yes.

PreventionGenetics, part of Exact Sciences
Classification: Benign. Review status: criteria provided, single submitter. Criteria: ACMG Guidelines, 2015. Collection method: clinical testing. Allele origin: germline.

Clinical Genetics DNA and cytogenetics Diagnostics Lab, Erasmus MC, Erasmus Medical Center
Classification: Benign. Review status: no assertion criteria provided. Collection method: clinical testing. Allele origin: germline. Affected: yes. Study: VKGL Data-share Consensus. Not counted in ClinVar's aggregate classification.

Diagnostic Laboratory, Department of Genetics, University Medical Center Groningen
Classification: Benign for Familial hemophagocytic lymphohistiocytosis 3. Review status: no assertion criteria provided. Collection method: clinical testing. Allele origin: germline. Affected: yes. Study: VKGL Data-share Consensus. Not counted in ClinVar's aggregate classification.

Genome Diagnostics Laboratory, University Medical Center Utrecht
Classification: Benign. Review status: no assertion criteria provided. Collection method: clinical testing. Allele origin: germline. Affected: yes. Study: VKGL Data-share Consensus. Not counted in ClinVar's aggregate classification.